The following is an entry in ClinVar:

ClinVar aggregate classification (germline): Conflicting classifications of pathogenicity. Review status: criteria provided, conflicting classifications (1 of 4 stars). 3 submissions from 3 submitters: Likely pathogenic (2); Uncertain significance (1). Last evaluated 2025-05-15.

Conditions:
CEP290-related disorder. Also called: CEP290-related condition; CEP290-related disorders. Identifiers: MedGen CN239314.
Bardet-Biedl syndrome 14 (BBS14). Identifiers: Orphanet 110, MedGen C2673874, MONDO:0014442, OMIM 615991.
Meckel-Gruber syndrome. Also called: DYSENCEPHALIA SPLANCHNOCYSTICA; GRUBER SYNDROME; Dysencephalia splachnocystica. Identifiers: Orphanet 564, MedGen C0265215, MONDO:0018921.
Nephronophthisis. Also called: Juvenile Nephronophthisis. Identifiers: Orphanet 655, MedGen C0687120, MONDO:0019005, HP:0000090.
Joubert syndrome. Also called: Familial aplasia of the vermis; JOUBERT-BOLTSHAUSER SYNDROME. Identifiers: Orphanet 475, MedGen C5979921, MONDO:0018772.

Allele frequency attached by ClinVar (database versions not stated): gnomAD exomes below 0.00001; TOPMed below 0.00001; gnomAD 0.00003.
gnomAD v4.1: 2 of 1,394,374 alleles (0.00014%); highest among the groups gnomAD compares: Non-Finnish European, 0.00019%; no homozygotes.

Submissions (3):

PreventionGenetics, part of Exact Sciences
Classification: Uncertain significance for CEP290-related condition. Last evaluated: 2025-05-15. Review status: criteria provided, single submitter. Criteria: ACMG Guidelines, 2015. Collection method: clinical testing. Allele origin: germline.
Comment: The CEP290 c.853-2A>G variant is predicted to disrupt the AG splice acceptor site and interfere with normal splicing. However, if this nucleotide change causes skipping of exon 11, this variant could result in an in-frame deletion of thirty amino acids. To our knowledge, this variant has not been reported in the literature or in a large population database (gnomAD), indicating this variant is rare. Although we suspect that this variant may be pathogenic, at this time, the clinical significance of this variant is uncertain due to the absence of conclusive functional and genetic evidence.

Baylor Genetics
Classification: Likely pathogenic for Bardet-Biedl syndrome 14. Last evaluated: 2023-05-27. Review status: criteria provided, single submitter. Criteria: ACMG Guidelines, 2015. Collection method: clinical testing. Allele origin: unknown.

Labcorp Genetics (formerly Invitae), Labcorp
Classification: Likely pathogenic for Joubert syndrome; Meckel-Gruber syndrome; Nephronophthisis. Last evaluated: 2022-03-18. Review status: criteria provided, single submitter. Criteria: Invitae Variant Classification Sherloc (09022015). Collection method: clinical testing. Allele origin: germline.
Comment: This sequence change affects an acceptor splice site in intron 10 of the CEP290 gene. It is expected to disrupt RNA splicing. Variants that disrupt the donor or acceptor splice site typically lead to a loss of protein function (PMID: 16199547), and loss-of-function variants in CEP290 are known to be pathogenic (PMID: 16909394, 17345604, 20690115). This variant is not present in population databases (gnomAD no frequency). This variant has not been reported in the literature in individuals affected with CEP290-related conditions. Algorithms developed to predict the effect of sequence changes on RNA splicing suggest that this variant may disrupt the consensus splice site. In summary, the currently available evidence indicates that the variant is pathogenic, but additional data are needed to prove that conclusively. Therefore, this variant has been classified as Likely Pathogenic.

Literature cited by the submitters: PubMed 16199547 (cited by Labcorp Genetics (formerly Invitae), Labcorp); PubMed 16909394 (cited by Labcorp Genetics (formerly Invitae), Labcorp); PubMed 17345604 (cited by Labcorp Genetics (formerly Invitae), Labcorp); PubMed 20690115 (cited by Labcorp Genetics (formerly Invitae), Labcorp).

NM_025114.4(CEP290):c.853-2A>G

Gene: CEP290 (centrosomal protein 290; minus strand). Cytogenetic location: 12q21.32.
Variant type: single nucleotide variant.
Coding change: c.853-2A>G on transcript NM_025114.4 (MANE Select); the canonical splice acceptor site of the intron before coding-DNA position 853, A replaced by G.
Molecular consequence: splice acceptor variant.
Genome position (GRCh38, 1-based): chr12:88,129,037, T>C on the plus strand (A>G on the coding strand, the complement: CEP290 is on the minus strand). VCF-style: chr12-88129037-T-C. GRCh37 (hg19) VCF-style: chr12-88522814-T-C.
Other names: c.853-2A>G (NM_025114.3).
Identifiers: ClinVar variation 1951069 (VCV001951069.7), dbSNP rs2039902653, ClinGen allele CA385984098.